The following is an entry in ClinVar:

NM_001457.4(FLNB):c.1711G>T (p.Val571Leu)

Gene: FLNB (filamin B; plus strand). Cytogenetic location: 3p14.3.
Variant type: single nucleotide variant.
Coding change: c.1711G>T on transcript NM_001457.4 (MANE Select); coding-DNA position 1711, G replaced by T.
Protein change: p.Val571Leu; replaces valine 571 with leucine.
Molecular consequence: missense variant.
Genome position (GRCh38, 1-based): chr3:58,105,180, G>T. VCF-style: chr3-58105180-G-T. GRCh37 (hg19) VCF-style: chr3-58090907-G-T.
Other names: c.1711G>T, p.Val571Leu (NM_001164317.2, NM_001164318.2, NM_001164319.2); short protein forms V571L.
Identifiers: ClinVar variation 2105076 (VCV002105076.4), dbSNP rs760127618, ClinGen allele CA2467907.

ClinVar aggregate classification (germline): Uncertain significance (1 of 4 stars; one submission).

gnomAD v4.1: 5 of 1,614,218 alleles (0.00031%); highest among the groups gnomAD compares: Admixed American, 0.0017%; no homozygotes.

Submission:

Labcorp Genetics (formerly Invitae), Labcorp
Classification: Uncertain significance. Last evaluated: 2023-12-28. Review status: criteria provided, single submitter. Criteria: Invitae Variant Classification Sherloc (09022015). Collection method: clinical testing. Allele origin: germline.
Comment: This sequence change replaces valine, which is neutral and non-polar, with leucine, which is neutral and non-polar, at codon 571 of the FLNB protein (p.Val571Leu). This variant is present in population databases (rs760127618, gnomAD 0.003%). This variant has not been reported in the literature in individuals affected with FLNB-related conditions. ClinVar contains an entry for this variant (Variation ID: 2105076). Advanced modeling of protein sequence and biophysical properties (such as structural, functional, and spatial information, amino acid conservation, physicochemical variation, residue mobility, and thermodynamic stability) performed at Invitae indicates that this missense variant is not expected to disrupt FLNB protein function with a negative predictive value of 95%. In summary, the available evidence is currently insufficient to determine the role of this variant in disease. Therefore, it has been classified as a Variant of Uncertain Significance.